The following is an entry in ClinVar:

NM_004667.6(HERC2):c.2488G>A (p.Val830Met)

Gene: HERC2 (HECT and RLD domain containing E3 ubiquitin protein ligase 2; minus strand). Cytogenetic location: 15q13.1.
Variant type: single nucleotide variant.
Coding change: c.2488G>A on transcript NM_004667.6 (MANE Select); coding-DNA position 2488, G replaced by A.
Protein change: p.Val830Met; replaces valine 830 with methionine.
Molecular consequence: missense variant.
Genome position (GRCh38, 1-based): chr15:28,257,090, C>T on the plus strand (G>A on the coding strand, the complement: HERC2 is on the minus strand). VCF-style: chr15-28257090-C-T. GRCh37 (hg19) VCF-style: chr15-28502236-C-T.
Other names: c.2488G>A (NM_004667.5); short protein forms V830M.
Identifiers: ClinVar variation 3105376 (VCV003105376.2), dbSNP rs369053697, ClinGen allele CA7443196.
Genomic context (GRCh38, chr15:28,257,090, plus strand): 5'-AAGGAGGAAGAAGAAGGGAAATCATGAATACCTGAAGTCGTAGAAGATTCAGCGTTGCCA[C>T]GGCCACACACTCTTTCTCCTGGGGCGGGGGCCAGTCCGCGGAACCATCCATCCCCTCACT-3'
Protein context (NP_004658.3, residues 820-840): PPPQEKECVA[Val830Met]ATLNLLRLQL

ClinVar aggregate classification (germline): Uncertain significance. Review status: criteria provided, multiple submitters, no conflicts (2 of 4 stars). 2 submissions from 2 submitters: Uncertain significance (2). Last evaluated 2025-08-04.

Conditions:
Inborn genetic diseases. Identifiers: MedGen C0950123, MeSH D030342.

Allele frequency attached by ClinVar (database versions not stated): ESP Exome Variant Server 0.00008; gnomAD exomes 0.00003; TOPMed 0.00003; ExAC 0.00004; gnomAD 0.00005.
gnomAD v4.1: 43 of 1,613,594 alleles (0.0027%); highest among the groups gnomAD compares: Middle Eastern, 0.033%; no homozygotes.

Submissions (2):

GeneDx
Classification: Uncertain significance. Last evaluated: 2025-08-04. Review status: criteria provided, single submitter. Criteria: GeneDx Variant Classification Process June 2021. Collection method: clinical testing. Allele origin: germline. Affected: yes.
Comment: In silico analysis supports that this missense variant has a deleterious effect on protein structure/function; Has not been previously published as pathogenic or benign to our knowledge

Ambry Genetics
Classification: Uncertain significance for Inborn genetic diseases. Last evaluated: 2023-12-27. Review status: criteria provided, single submitter. Criteria: Ambry Variant Classification Scheme 2023. Collection method: clinical testing. Allele origin: germline.